The following is an entry in ClinVar:

NM_001145809.2(MYH14):c.4744G>T (p.Gly1582Cys)

Gene: MYH14 (myosin heavy chain 14; plus strand). Cytogenetic location: 19q13.33.
Variant type: single nucleotide variant.
Coding change: c.4744G>T on transcript NM_001145809.2 (MANE Select); coding-DNA position 4744, G replaced by T.
Protein change: p.Gly1582Cys; replaces glycine 1582 with cysteine.
Molecular consequence: missense variant.
Genome position (GRCh38, 1-based): chr19:50,286,686, G>T. VCF-style: chr19-50286686-G-T. GRCh37 (hg19) VCF-style: chr19-50789943-G-T.
Other names: c.4645G>T, p.Gly1549Cys (NM_001077186.2); c.4621G>T, p.Gly1541Cys (NM_024729.4); short protein forms G1541C, G1549C, G1582C.
Identifiers: ClinVar variation 5020286 (VCV005020286.1).
Genomic context (GRCh38, chr19:50,286,686, plus strand): 5'-CGGCAGAACCGGGCCCTGCGGGCTGAGCTGGAGGCACTGCTGAGCAGCAAGGATGACGTC[G>T]GCAAGAGCGTGAGCAGGGCCCCCGCTCCCCGGGACACACTGGGTGAGGGGAGACACGTAC-3'
Protein context (NP_001139281.1, residues 1572-1592): EALLSSKDDV[Gly1582Cys]KSVHELERAC

ClinVar aggregate classification (germline): Uncertain significance (1 of 4 stars; one submission).

gnomAD v4.1: 5 of 1,571,580 alleles (0.00032%); highest among the groups gnomAD compares: Admixed American, 0.0057%; no homozygotes.

Submission:

Dasa
Classification: Uncertain significance. Last evaluated: 2026-06-29. Review status: criteria provided, single submitter. Criteria: DASA Assertion Criteria. Collection method: clinical testing. Allele origin: germline.
Comment: NM_001145809.2(MYH14):c.4744G>T (p.Gly1582Cys) is a missense variant that results in the substitution of glycine with cysteine. This variant is rare in population databases. Computational prediction algorithms are consistent with a deleterious effect. The currently available literature and clinical evidence are not sufficient to establish a definitive association between this variant and the reported condition. Therefore, this variant is classified as a variant of uncertain significance.